The following is an entry in ClinVar:

NM_006031.6(PCNT):c.5943C>T (p.Asp1981=)

Gene: PCNT (pericentrin; plus strand). Cytogenetic location: 21q22.3.
Variant type: single nucleotide variant.
Coding change: c.5943C>T on transcript NM_006031.6 (MANE Select); coding-DNA position 5943, C replaced by T.
Protein change: p.Asp1981=; no amino-acid change (aspartic acid 1981 retained).
Molecular consequence: synonymous variant.
Genome position (GRCh38, 1-based): chr21:46,412,016, C>T. VCF-style: chr21-46412016-C-T. GRCh37 (hg19) VCF-style: chr21-47831930-C-T.
Other names: c.5589C>T, p.Asp1863= (NM_001315529.2); c.5943C>T (NM_006031.5).
Identifiers: ClinVar variation 2176178 (VCV002176178.5), dbSNP rs749511173, ClinGen allele CA10080129.

ClinVar aggregate classification (germline): Likely benign. Review status: criteria provided, multiple submitters, no conflicts (2 of 4 stars). 2 submissions from 2 submitters: Likely benign (2). Last evaluated 2024-11-02.

Conditions:
PCNT-related disorder. Also called: PCNT-related condition.

Allele frequency attached by ClinVar (database versions not stated): ExAC 0.00001; gnomAD 0.00001; gnomAD exomes 0.00001; TOPMed 0.00002.
gnomAD v4.1: 15 of 1,607,692 alleles (0.00093%); highest among the groups gnomAD compares: Admixed American, 0.0067%; 1 homozygote.

Submissions (2):

Labcorp Genetics (formerly Invitae), Labcorp
Classification: Likely benign. Last evaluated: 2024-11-02. Review status: criteria provided, single submitter. Criteria: Invitae Variant Classification Sherloc (09022015). Collection method: clinical testing. Allele origin: germline.

PreventionGenetics, part of Exact Sciences
Classification: Likely benign for PCNT-related condition. Last evaluated: 2024-10-13. Review status: criteria provided, single submitter. Criteria: ACMG Guidelines, 2015. Collection method: clinical testing. Allele origin: germline.
Comment: This variant is classified as likely benign based on ACMG/AMP sequence variant interpretation guidelines (Richards et al. 2015 PMID: 25741868, with internal and published modifications).